The following is an entry in ClinVar:

NM_152703.5(SAMD9L):c.3706T>C (p.Trp1236Arg)

Gene: SAMD9L (sterile alpha motif domain containing 9 like; minus strand). Cytogenetic location: 7q21.2.
Variant type: single nucleotide variant.
Coding change: c.3706T>C on transcript NM_152703.5 (MANE Select); coding-DNA position 3706, T replaced by C.
Protein change: p.Trp1236Arg; replaces tryptophan 1236 with arginine.
Molecular consequence: missense variant.
Genome position (GRCh38, 1-based): chr7:93,132,266, A>G on the plus strand (T>C on the coding strand, the complement: SAMD9L is on the minus strand). VCF-style: chr7-93132266-A-G. GRCh37 (hg19) VCF-style: chr7-92761579-A-G.
Other names: c.3706T>C (NM_152703.2); c.3706T>C, p.Trp1236Arg (NM_001303496.3, NM_001303497.3, NM_001303498.3 and 5 more transcripts); short protein forms W1236R.
Identifiers: ClinVar variation 1016782 (VCV001016782.8), dbSNP rs1792151124, ClinGen allele CA368180466.

ClinVar aggregate classification (germline): Uncertain significance. Review status: criteria provided, multiple submitters, no conflicts (2 of 4 stars). 2 submissions from 2 submitters: Uncertain significance (2). Last evaluated 2026-04-20.

Conditions:
Inborn genetic diseases. Identifiers: MedGen C0950123, MeSH D030342.

Allele frequency attached by ClinVar (database versions not stated): gnomAD exomes below 0.00001.
gnomAD v4.1: 3 of 1,613,766 alleles (0.00019%); highest among the groups gnomAD compares: Non-Finnish European, 0.00025%; no homozygotes.

Submissions (2):

Ambry Genetics
Classification: Uncertain significance for Inborn genetic diseases. Last evaluated: 2026-04-20. Review status: criteria provided, single submitter. Criteria: Ambry Variant Classification Scheme 2023. Collection method: clinical testing. Allele origin: germline.
Comment: The p.W1236R variant (also known as c.3706T>C), located in coding exon 1 of the SAMD9L gene, results from a T to C substitution at nucleotide position 3706. The tryptophan at codon 1236 is replaced by arginine, an amino acid with dissimilar properties. This amino acid position is conserved. In addition, this alteration is predicted to be tolerated by in silico analysis. Based on the available evidence, the clinical significance of this variant remains unclear.

Labcorp Genetics (formerly Invitae), Labcorp
Classification: Uncertain significance. Last evaluated: 2023-08-27. Review status: criteria provided, single submitter. Criteria: Invitae Variant Classification Sherloc (09022015). Collection method: clinical testing. Allele origin: germline.
Comment: In summary, the available evidence is currently insufficient to determine the role of this variant in disease. Therefore, it has been classified as a Variant of Uncertain Significance. Advanced modeling of protein sequence and biophysical properties (such as structural, functional, and spatial information, amino acid conservation, physicochemical variation, residue mobility, and thermodynamic stability) performed at Invitae indicates that this missense variant is not expected to disrupt SAMD9L protein function. ClinVar contains an entry for this variant (Variation ID: 1016782). This variant has not been reported in the literature in individuals affected with SAMD9L-related conditions. This variant is not present in population databases (gnomAD no frequency). This sequence change replaces tryptophan, which is neutral and slightly polar, with arginine, which is basic and polar, at codon 1236 of the SAMD9L protein (p.Trp1236Arg).